The following is an entry in ClinVar:

NM_000540.3(RYR1):c.14130-13T>C

Gene: RYR1 (ryanodine receptor 1; plus strand). Cytogenetic location: 19q13.2.
Variant type: single nucleotide variant.
Coding change: c.14130-13T>C on transcript NM_000540.3 (MANE Select); 13 bases into the intron before coding-DNA position 14130, T replaced by C.
Molecular consequence: intron variant.
Genome position (GRCh38, 1-based): chr19:38,575,906, T>C. VCF-style: chr19-38575906-T-C. GRCh37 (hg19) VCF-style: chr19-39066546-T-C.
Other names: c.14115-13T>C (NM_001042723.2).
Identifiers: ClinVar variation 517965 (VCV000517965.6), dbSNP rs771833385, ClinGen allele CA308118800.

ClinVar aggregate classification (germline): Likely benign. Review status: criteria provided, multiple submitters, no conflicts (2 of 4 stars). 4 submissions from 4 submitters: Likely benign (4). Last evaluated 2023-11-20.

Conditions:
RYR1-related disorder. Also called: RYR1-related disorders; RYR1-related condition. Identifiers: MedGen CN239331.
Malignant hyperthermia, susceptibility to, 1 (MHS1). Also called: Anesthesia related hyperthermia; Malignant hyperpyrexia; Fulminating hyperpyrexia; Pharmacogenic myopathy; RYR1-Related Malignant Hyperthermia Susceptibility; Malignant hyperthermia suceptibility 1. Identifiers: Orphanet 423, MedGen C2930980, MONDO:0007783, OMIM 145600.

Allele frequency attached by ClinVar (database versions not stated): gnomAD 0.00001; gnomAD exomes 0.00001; TOPMed 0.00001.
gnomAD v4.1: 9 of 1,613,960 alleles (0.00056%); highest among the groups gnomAD compares: Non-Finnish European, 0.00076%; no homozygotes.

Submissions (4):

All of Us Research Program, National Institutes of Health
Classification: Likely benign for Malignant hyperthermia, susceptibility to, 1. Last evaluated: 2023-11-20. Review status: criteria provided, single submitter. Criteria: ACMG Guidelines, 2015. Collection method: clinical testing. Allele origin: germline. Inheritance: Autosomal dominant inheritance. Observed: 1 variant allele, 1 heterozygote.
Comment: This study involves interpretation of variants in research participants for the purpose of population health screening. Participant phenotype was not available at the time of variant classification. Additional details can be found in publication PMID: 35346344, PMCID: PMC8962531

Labcorp Genetics (formerly Invitae), Labcorp
Classification: Likely benign for RYR1-related disorder. Last evaluated: 2023-11-10. Review status: criteria provided, single submitter. Criteria: Invitae Variant Classification Sherloc (09022015). Collection method: clinical testing. Allele origin: germline.

Color Diagnostics, LLC DBA Color Health
Classification: Likely benign for Malignant hyperthermia, susceptibility to, 1. Last evaluated: 2023-11-02. Review status: criteria provided, single submitter. Criteria: ACMG Guidelines, 2015. Collection method: clinical testing. Allele origin: germline.

GeneDx
Classification: Likely benign. Last evaluated: 2017-06-15. Review status: criteria provided, single submitter. Criteria: GeneDx Variant Classification (06012015). Collection method: clinical testing. Allele origin: germline. Affected: yes.
Comment: This variant is considered likely benign or benign based on one or more of the following criteria: it is a conservative change, it occurs at a poorly conserved position in the protein, it is predicted to be benign by multiple in silico algorithms, and/or has population frequency not consistent with disease.